The following is an entry in ClinVar:

NM_015693.4(INTU):c.2504T>C (p.Phe835Ser)

Gene: INTU (inturned planar cell polarity protein; plus strand). Cytogenetic location: 4q28.1.
Variant type: single nucleotide variant.
Coding change: c.2504T>C on transcript NM_015693.4 (MANE Select); coding-DNA position 2504, T replaced by C.
Protein change: p.Phe835Ser; replaces phenylalanine 835 with serine.
Molecular consequence: missense variant.
Genome position (GRCh38, 1-based): chr4:127,711,047, T>C. VCF-style: chr4-127711047-T-C. GRCh37 (hg19) VCF-style: chr4-128632202-T-C.
Other names: short protein forms F835S.
Identifiers: ClinVar variation 4748150 (VCV004748150.1).

ClinVar aggregate classification (germline): Uncertain significance (1 of 4 stars; one submission).

gnomAD v4.1: 7 of 1,609,012 alleles (0.00044%); highest among the groups gnomAD compares: Admixed American, 0.012%; no homozygotes.

Submission:

Labcorp Genetics (formerly Invitae), Labcorp
Classification: Uncertain significance. Last evaluated: 2025-02-13. Review status: criteria provided, single submitter. Criteria: Invitae Variant Classification Sherloc (09022015). Collection method: clinical testing. Allele origin: germline.
Comment: This sequence change replaces phenylalanine, which is neutral and non-polar, with serine, which is neutral and polar, at codon 835 of the INTU protein (p.Phe835Ser). This variant is present in population databases (rs759246904, gnomAD 0.01%). This variant has not been reported in the literature in individuals affected with INTU-related conditions. Invitae Evidence Modeling of protein sequence and biophysical properties (such as structural, functional, and spatial information, amino acid conservation, physicochemical variation, residue mobility, and thermodynamic stability) indicates that this missense variant is expected to disrupt INTU protein function with a positive predictive value of 80%. In summary, the available evidence is currently insufficient to determine the role of this variant in disease. Therefore, it has been classified as a Variant of Uncertain Significance.